The following is an entry in ClinVar:

ClinVar aggregate classification (germline): Pathogenic (1 of 4 stars; one submission).

Conditions:
Hereditary cancer-predisposing syndrome. Also called: Neoplastic Syndromes, Hereditary; Hereditary Cancer Syndrome; Tumor predisposition; Hereditary neoplastic syndrome. Identifiers: Orphanet 140162, MedGen C0027672, MeSH D009386, MONDO:0015356.

Submission:

Ambry Genetics
Classification: Pathogenic for Hereditary cancer-predisposing syndrome. Last evaluated: 2025-02-10. Review status: criteria provided, single submitter. Criteria: Ambry Variant Classification Scheme 2023. Collection method: clinical testing. Allele origin: germline.
Comment: The p.C73* pathogenic mutation (also known as c.219C>A), located in coding exon 1 of the STK11 gene, results from a C to A substitution at nucleotide position 219. This changes the amino acid from a cysteine to a stop codon within coding exon 1. This variant is considered to be rare based on population cohorts in the Genome Aggregation Database (gnomAD). This alteration is expected to result in loss of function by premature protein truncation or nonsense-mediated mRNA decay. As such, this alteration is interpreted as a disease-causing mutation.

NM_000455.5(STK11):c.219C>A (p.Cys73Ter)

Gene: STK11 (serine/threonine kinase 11; plus strand). Cytogenetic location: 19p13.3.
Variant type: single nucleotide variant.
Coding change: c.219C>A on transcript NM_000455.5 (MANE Select); coding-DNA position 219, C replaced by A.
Protein change: p.Cys73Ter; replaces cysteine 73 with a stop codon.
Molecular consequence: nonsense. On other transcripts: non-coding transcript variant (1).
Genome position (GRCh38, 1-based): chr19:1,207,132, C>A. VCF-style: chr19-1207132-C-A. GRCh37 (hg19) VCF-style: chr19-1207131-C-A.
Other names: c.219C>A, p.Cys73Ter (NM_001407255.1); short protein forms C73*.
Identifiers: ClinVar variation 3802399 (VCV003802399.1).
Genomic context (GRCh38, chr19:1,207,132, plus strand): 5'-CCTGCTGGGGGAAGGCTCTTACGGCAAGGTGAAGGAGGTGCTGGACTCGGAGACGCTGTG[C>A]AGGAGGGCCGTCAAGATCCTCAAGAAGAAGAAGTTGCGAAGGATCCCCAACGGGGAGGCC-3'